The following is an entry in ClinVar:

ClinVar aggregate classification (germline): Pathogenic/Likely pathogenic. Review status: criteria provided, multiple submitters, no conflicts (2 of 4 stars). 6 submissions from 6 submitters: Pathogenic (5); Likely pathogenic (1). Last evaluated 2025-05-12.

Conditions:
POLG-related disorder. Also called: POLG-Related Spectrum Disorders; POLG-related condition; POLG-Related Disorders. Identifiers: MedGen C4763519.
Sensory ataxic neuropathy, dysarthria, and ophthalmoparesis (SANDO). Also called: Sensory ataxic neuropathy-dysarthria-ophthalmoparesis syndrome; SENSORY ATAXIC NEUROPATHY WITH MITOCHONDRIAL DNA DELETIONS, AUTOSOMAL RECESSIVE; Epilepsy, progressive myoclonic, type 5; Ataxia Neuropathy Spectrum (ANS). Identifiers: Orphanet 70595, MedGen C1843851, MONDO:0011835, OMIM 607459.
Progressive sclerosing poliodystrophy (MTDPS4A). Also called: ALPERS DIFFUSE DEGENERATION OF CEREBRAL GRAY MATTER WITH HEPATIC CIRRHOSIS; Mitochondrial DNA Depletion Syndrome 4A; NEURONAL DEGENERATION OF CHILDHOOD WITH LIVER DISEASE, PROGRESSIVE; Mitochondrial DNA depletion syndrome 4A (Alpers type); Alpers-Huttenlocher Syndrome; Alpers-Huttenlocher Syndrome (AHS). Identifiers: Orphanet 726, MedGen C0205710, MONDO:0008758, OMIM 203700.
Progressive external ophthalmoplegia with mitochondrial DNA deletions, autosomal dominant 1 (PEOA1). Also called: PROGRESSIVE EXTERNAL OPHTHALMOPLEGIA, AUTOSOMAL DOMINANT 1; Autosomal Dominant Progressive External Ophthalmoplegia (adPEO). Identifiers: MedGen C1834846, MONDO:0024528, OMIM 157640.
Progressive external ophthalmoplegia with mitochondrial DNA deletions, autosomal recessive 1 (PEOB1). Also called: Progressive external ophthalmoplegia, autosomal recessive 1; Autosomal Recessive Progressive External Ophthalmoplegia (arPEO). Identifiers: Orphanet 254886, MedGen C4225153, MONDO:0009783, OMIM 258450.
Mitochondrial DNA depletion syndrome 4b. Also called: Mitochondrial Neurogastrointestinal Encephalopathy Disease, POLG-Related; MNGIE, POLG-RELATED. Identifiers: Orphanet 298, MedGen C3150914, MONDO:0013350, OMIM 613662.
Mitochondrial disease. Also called: Mitochondrial disorder; Mitochondrial disorders. Identifiers: Orphanet 68380, MedGen C0751651, MeSH D028361, MONDO:0044970.

Allele frequency attached by ClinVar (database versions not stated): gnomAD exomes below 0.00001; ExAC 0.00001; gnomAD 0.00001.
gnomAD v4.1: 5 of 1,613,954 alleles (0.00031%); highest among the groups gnomAD compares: Admixed American, 0.0017%; no homozygotes.

Submissions (6):

Myriad Genetics, Inc.
Classification: Pathogenic for POLG-related disorder. Last evaluated: 2025-05-12. Review status: criteria provided, single submitter. Criteria: Myriad Autosomal Dominant, Autosomal Recessive and X-Linked Classification Criteria (2023). Collection method: clinical testing. Allele origin: unknown.
Comment: NM_002693.2(POLG):c.3241C>T(R1081*) is expected to be pathogenic in the context of POLG-related disorders. This variant is predicted to lead to an abnormal or absent protein product due to the creation of a premature termination codon in POLG, a gene where loss-of-function variants are known to be pathogenic. Please note: this variant was assessed in the context of healthy population screening.

GeneDx
Classification: Pathogenic. Last evaluated: 2025-03-27. Review status: criteria provided, single submitter. Criteria: GeneDx Variant Classification Process June 2021. Collection method: clinical testing. Allele origin: germline. Affected: yes.
Comment: Nonsense variant predicted to result in protein truncation or nonsense mediated decay in a gene for which loss of function is a known mechanism of disease; Not observed at significant frequency in large population cohorts (gnomAD); Has not been previously published as pathogenic or benign to our knowledge

Victorian Clinical Genetics Services, Murdoch Childrens Research Institute
Classification: Pathogenic for Mitochondrial disease. Last evaluated: 2024-10-10. Review status: criteria provided, single submitter. Criteria: ACMG Guidelines, 2015. Collection method: clinical testing. Allele origin: germline. Affected: yes.
Comment: Based on the classification scheme VCGS_Germline_v1.3.5, this variant is classified as Pathogenic. Following criteria are met: 0102 - Loss of function is a known mechanism of disease in this gene and is associated with mitochondrial disease (MONDO#0044970), POLG-related. (I) 0108 - This gene is associated with both recessive and dominant disease. Variants are usually inherited in a recessive manner, however progressive external ophthalmoplegia can also be dominant when heterozygous variants are located in the highly conserved active site of motif B of the polymerase domain (PMID: 30451971). (I) 0115 - Variants in this gene are known to have variable expressivity (PMID: 20301791). (I) 0201 - Variant is predicted to cause nonsense-mediated decay (NMD) and loss of protein (premature termination codon is located at least 54 nucleotides upstream of the final exon-exon junction). (SP) 0251 - This variant is heterozygous. (I) 0304 - Variant is present in gnomAD <0.01 (v4) (5 heterozygotes, 0 homozygotes). (SP) 0701 - Other NMD-predicted variants comparable to the one identified in this case have very strong previous evidence for pathogenicity (DECIPHER). (SP) 0803 - This variant has limited previous evidence of pathogenicity in unrelated individuals. It has been classified as pathogenic by two clinical laboratories (ClinVar). (SP) 0905 - No published segregation evidence has been identified for this variant. (I) 1007 - No published functional evidence has been identified for this variant. (I) 1208 - Inheritance information for this variant is not currently available in this individual. (I) Legend: (SP) - Supporting pathogenic, (I) - Information, (SB) - Supporting benign

Labcorp Genetics (formerly Invitae), Labcorp
Classification: Pathogenic for Progressive sclerosing poliodystrophy. Last evaluated: 2024-02-23. Review status: criteria provided, single submitter. Criteria: Invitae Variant Classification Sherloc (09022015). Collection method: clinical testing. Allele origin: germline.
Comment: This sequence change creates a premature translational stop signal (p.Arg1081*) in the POLG gene. It is expected to result in an absent or disrupted protein product. Loss-of-function variants in POLG are known to be pathogenic (PMID: 18546365). This variant is present in population databases (rs767708989, gnomAD 0.003%). This variant has not been reported in the literature in individuals affected with POLG-related conditions. ClinVar contains an entry for this variant (Variation ID: 619310). For these reasons, this variant has been classified as Pathogenic.

Wong Mito Lab, Molecular and Human Genetics, Baylor College of Medicine
Classification: Pathogenic for Progressive sclerosing poliodystrophy. Last evaluated: 2018-10-01. Review status: criteria provided, single submitter. Criteria: ACMG Guidelines, 2015. Collection method: clinical testing. Allele origin: germline.
Comment: The NM_002693.2:c.3241C>T (NP_002684.1:p.Arg1081Ter) [GRCH38: NC_000015.10:g.89318963G>A] variant in POLG gene is interpretated to be a Pathogenic based on ACMG guidelines (PMID: 25741868). This variant meets the following evidence codes reported in the ACMG-guideline. PVS1:This variant is a predicted null variant in POLG where loss of function is a known mechanism of disease. PM2:This variant is absent in key population databases. PM3:Detected in trans with a pathogenic variant for Mitochondrial DNA depletion syndrome 4A (Alpers type) which is a recessive disorder. PM4:This variant causes alteration in the length of expressed protein. PP1:This variant is co-segregated with Mitochondrial DNA depletion syndrome 4A (Alpers type) in multiple affected family members. PP4:Patient's phenotype or family history is highly specific for POLG. Based on the evidence criteria codes applied, the variant is suggested to be Pathogenic.

Juno Genomics, Hangzhou Juno Genomics, Inc
Classification: Likely pathogenic for Progressive sclerosing poliodystrophy; Mitochondrial DNA depletion syndrome 4b; Sensory ataxic neuropathy, dysarthria, and ophthalmoparesis; Progressive external ophthalmoplegia with mitochondrial DNA deletions, autosomal dominant 1; Progressive external ophthalmoplegia with mitochondrial DNA deletions, autosomal recessive 1. Review status: criteria provided, single submitter. Criteria: ACMG Guidelines, 2015. Collection method: clinical testing. Allele origin: germline.
Comment: Null variant in a gene where loss of function (LOF) is a known mechanism of disease.;Absent from controls (or at extremely low frequency if recessive) in Genome Aggregation Database.

Literature cited by the submitters: PubMed 20301791 (cited by Victorian Clinical Genetics Services, Murdoch Childrens Research Institute); PubMed 30451971 (cited by Victorian Clinical Genetics Services, Murdoch Childrens Research Institute); PubMed 18546365 (cited by Labcorp Genetics (formerly Invitae), Labcorp).

NM_002693.3(POLG):c.3241C>T (p.Arg1081Ter)

Gene: POLG (DNA polymerase gamma, catalytic subunit; minus strand). Cytogenetic location: 15q26.1.
Variant type: single nucleotide variant.
Coding change: c.3241C>T on transcript NM_002693.3 (MANE Select); coding-DNA position 3241, C replaced by T.
Protein change: p.Arg1081Ter; replaces arginine 1081 with a stop codon.
Molecular consequence: nonsense.
Genome position (GRCh38, 1-based): chr15:89,318,963, G>A on the plus strand (C>T on the coding strand, the complement: POLG is on the minus strand). VCF-style: chr15-89318963-G-A. GRCh37 (hg19) VCF-style: chr15-89862194-G-A.
Other names: c.3241C>T, p.Arg1081Ter (NM_001126131.2); short protein forms R1081*.
Identifiers: ClinVar variation 619310 (VCV000619310.13), dbSNP rs767708989, ClinGen allele CA7724199.